The following is an entry in ClinVar:

ClinVar aggregate classification (germline): Benign. Review status: criteria provided, multiple submitters, no conflicts (2 of 4 stars). 3 submissions from 3 submitters: Benign (2). 1 of the submissions does not count toward it. Last evaluated 2021-05-04.

Conditions:
DYNC2LI1-related disorder. Also called: DYNC2LI1-related condition.

Allele frequency attached by ClinVar (database versions not stated): gnomAD exomes 0.17182 and 0.17280; 1000 Genomes Project 0.17951; 1000 Genomes Project 30x 0.18894; ExAC 0.18951; TOPMed 0.19436; gnomAD 0.19562 and 0.19727; ESP Exome Variant Server 0.20519.
gnomAD v4.1: 280,833 of 1,605,688 alleles (17%); highest among the groups gnomAD compares: African/African-American, 27%; 26,027 homozygotes.

Submissions (3):

GeneDx
Classification: Benign. Last evaluated: 2021-05-04. Review status: criteria provided, single submitter. Criteria: GeneDx Variant Classification Process June 2021. Collection method: clinical testing. Allele origin: germline. Affected: yes.

Breakthrough Genomics
Classification: Benign. Review status: criteria provided, single submitter. Criteria: ACMG Guidelines, 2015. Collection method: not provided. Allele origin: germline. Inheritance: Autosomal recessive inheritance. Affected: yes.

PreventionGenetics, part of Exact Sciences
Classification: Benign for DYNC2LI1-related condition. Last evaluated: 2023-01-26. Review status: no assertion criteria provided. Collection method: clinical testing. Allele origin: germline. Not counted in ClinVar's aggregate classification.
Comment: This variant is classified as benign based on ACMG/AMP sequence variant interpretation guidelines (Richards et al. 2015 PMID: 25741868, with internal and published modifications).

NM_016008.4(DYNC2LI1):c.*7T>C

Genes: ABCG5 (ATP binding cassette subfamily G member 5; minus strand), DYNC2LI1 (dynein cytoplasmic 2 light intermediate chain 1; plus strand). Cytogenetic location: 2p21.
Variant type: single nucleotide variant.
Coding change: c.*7T>C on transcript NM_016008.4 (MANE Select); 7 bases downstream of the stop codon, T replaced by C.
Molecular consequence: 3 prime UTR variant. On other transcripts: intron variant (2).
Genome position (GRCh38, 1-based): chr2:43,809,774, T>C. VCF-style: chr2-43809774-T-C. GRCh37 (hg19) VCF-style: chr2-44036913-T-C.
Other names: c.*7T>C (NM_001193464.2); c.997-607T>C (NM_001348913.2, NM_001348913.1); c.994-607T>C (NM_001348912.2).
Identifiers: ClinVar variation 1229640 (VCV001229640.6), dbSNP rs8302, ClinGen allele CA1636105.
Genomic context (GRCh38, chr2:43,809,774, plus strand): 5'-CAGTACAAAAGAAGTTCTTCCAAGTCTTGGAAACAAATCGAGCTTGATTCTTGAACCTAT[T>C]TCAATTATTGTATATTTATTTCTTCTTTTCCAAATACAAATAAGATTATACTGTGAATTA-3'